The following is an entry in ClinVar:

ClinVar aggregate classification (germline): Uncertain significance (1 of 4 stars; one submission).

Submission:

Dasa
Classification: Uncertain significance. Last evaluated: 2026-01-01. Review status: criteria provided, single submitter. Criteria: DASA Assertion Criteria. Collection method: clinical testing. Allele origin: germline.
Comment: NM_000337.6(SGCD):c.326A>C (p.Asn109Thr) is a missense variant that results in the substitution of asparagine with threonine. This variant is rare in population databases. Computational prediction algorithms are consistent with a deleterious effect. The currently available literature and clinical evidence are not sufficient to establish a definitive association between this variant and the reported condition. Therefore, this variant is classified as a variant of uncertain significance.

NM_000337.6(SGCD):c.326A>C (p.Asn109Thr)

Gene: SGCD (sarcoglycan delta; plus strand). Cytogenetic location: 5q33.3.
Variant type: single nucleotide variant.
Coding change: c.326A>C on transcript NM_000337.6 (MANE Select); coding-DNA position 326, A replaced by C.
Protein change: p.Asn109Thr; replaces asparagine 109 with threonine.
Molecular consequence: missense variant.
Genome position (GRCh38, 1-based): chr5:156,589,262, A>C. VCF-style: chr5-156589262-A-C. GRCh37 (hg19) VCF-style: chr5-156016272-A-C.
Other names: c.323A>C, p.Asn108Thr (NM_001128209.2); c.326A>C, p.Asn109Thr (NM_172244.3); short protein forms N108T, N109T.
Identifiers: ClinVar variation 4881070 (VCV004881070.2).